The following is an entry in ClinVar:

NM_000256.3(MYBPC3):c.2411T>C (p.Leu804Pro)

Gene: MYBPC3 (myosin binding protein C3; minus strand). Cytogenetic location: 11p11.2.
Variant type: single nucleotide variant.
Coding change: c.2411T>C on transcript NM_000256.3 (MANE Select); coding-DNA position 2411, T replaced by C.
Protein change: p.Leu804Pro; replaces leucine 804 with proline.
Molecular consequence: missense variant.
Genome position (GRCh38, 1-based): chr11:47,337,692, A>G on the plus strand (T>C on the coding strand, the complement: MYBPC3 is on the minus strand). VCF-style: chr11-47337692-A-G. GRCh37 (hg19) VCF-style: chr11-47359243-A-G.
Other names: short protein forms L804P.
Identifiers: ClinVar variation 2764216 (VCV002764216.4), dbSNP rs2495750276, ClinGen allele CA380318584.

ClinVar aggregate classification (germline): Uncertain significance. Review status: criteria provided, multiple submitters, no conflicts (2 of 4 stars). 2 submissions from 2 submitters: Uncertain significance (2). Last evaluated 2025-10-11.

Conditions:
Hypertrophic cardiomyopathy. Also called: HYPERTROPHIC MYOCARDIOPATHY. Identifiers: Orphanet 217569, MedGen C0007194, MeSH D002312, MONDO:0005045, HP:0001639.
Cardiovascular phenotype. Identifiers: MedGen CN230736.

Submissions (2):

Ambry Genetics
Classification: Uncertain significance for Cardiovascular phenotype. Last evaluated: 2025-10-11. Review status: criteria provided, single submitter. Criteria: Ambry Variant Classification Scheme 2023. Collection method: clinical testing. Allele origin: germline.
Comment: The p.L804P variant (also known as c.2411T>C), located in coding exon 24 of the MYBPC3 gene, results from a T to C substitution at nucleotide position 2411. The leucine at codon 804 is replaced by proline, an amino acid with similar properties. This amino acid position is conserved. In addition, this alteration is predicted to be deleterious by in silico analysis. Based on the available evidence, the clinical significance of this variant remains unclear.

Labcorp Genetics (formerly Invitae), Labcorp
Classification: Uncertain significance for Hypertrophic cardiomyopathy. Last evaluated: 2023-09-29. Review status: criteria provided, single submitter. Criteria: Invitae Variant Classification Sherloc (09022015). Collection method: clinical testing. Allele origin: germline.
Comment: In summary, the available evidence is currently insufficient to determine the role of this variant in disease. Therefore, it has been classified as a Variant of Uncertain Significance. An algorithm developed to predict the effect of missense changes on protein structure and function (PolyPhen-2) suggests that this variant is likely to be tolerated. This variant has not been reported in the literature in individuals affected with MYBPC3-related conditions. This variant is not present in population databases (gnomAD no frequency). This sequence change replaces leucine, which is neutral and non-polar, with proline, which is neutral and non-polar, at codon 804 of the MYBPC3 protein (p.Leu804Pro).